The following is an entry in ClinVar:

ClinVar aggregate classification (germline): Conflicting classifications of pathogenicity. Review status: criteria provided, conflicting classifications (1 of 4 stars). 3 submissions from 3 submitters: Uncertain significance (1); Likely benign (2). Last evaluated 2026-01-27.

Conditions:
Hereditary cancer-predisposing syndrome. Also called: Neoplastic Syndromes, Hereditary; Hereditary neoplastic syndrome; Hereditary Cancer Syndrome; Tumor predisposition. Identifiers: Orphanet 140162, MedGen C0027672, MeSH D009386, MONDO:0015356.
POLD1-related polyposis and colorectal cancer syndrome (CRCS10). Also called: Colorectal cancer, susceptibility to, 10; Colorectal cancer 10; COLORECTAL CANCER, SUSCEPTIBILITY TO, ON CHROMOSOME 19q. Identifiers: Orphanet 220460, MedGen C2675481, MONDO:0012953, OMIM 612591.

Allele frequency attached by ClinVar (database versions not stated): gnomAD exomes below 0.00001; TOPMed 0.00001; gnomAD 0.00002.

Submissions (3):

Labcorp Genetics (formerly Invitae), Labcorp
Classification: Likely benign for POLD1-related polyposis and colorectal cancer syndrome. Last evaluated: 2026-01-27. Review status: criteria provided, single submitter. Criteria: Invitae Variant Classification Sherloc (09022015). Collection method: clinical testing. Allele origin: germline.

GeneDx
Classification: Uncertain significance. Last evaluated: 2023-02-17. Review status: criteria provided, single submitter. Criteria: GeneDx Variant Classification Process June 2021. Collection method: clinical testing. Allele origin: germline. Affected: yes.
Comment: Not observed in large population cohorts (gnomAD); Has not been previously published as pathogenic or benign to our knowledge; In silico analysis suggests this variant may impact gene splicing. In the absence of RNA/functional studies, the actual effect of this sequence change is unknown.

Ambry Genetics
Classification: Likely benign for Hereditary cancer-predisposing syndrome. Last evaluated: 2015-09-20. Review status: criteria provided, single submitter. Criteria: Ambry Variant Classification Scheme 2023. Collection method: clinical testing. Allele origin: germline.

NM_002691.4(POLD1):c.1104G>A (p.Val368=)

Gene: POLD1 (DNA polymerase delta 1, catalytic subunit; plus strand). Cytogenetic location: 19q13.33.
Variant type: single nucleotide variant.
Coding change: c.1104G>A on transcript NM_002691.4 (MANE Select); coding-DNA position 1104, G replaced by A.
Protein change: p.Val368=; no amino-acid change (valine 368 retained).
Molecular consequence: synonymous variant. On other transcripts: non-coding transcript variant (1).
Genome position (GRCh38, 1-based): chr19:50,403,186, G>A. VCF-style: chr19-50403186-G-A. GRCh37 (hg19) VCF-style: chr19-50906443-G-A.
Other names: c.1104G>A, p.Val368= (NM_001256849.1, NM_001308632.1).
Identifiers: ClinVar variation 414735 (VCV000414735.19), dbSNP rs1060504345, ClinGen allele CA16616370.